The following is an entry in ClinVar:

NM_004364.5(CEBPA):c.1019G>C (p.Gly340Ala)

Gene: CEBPA (CCAAT enhancer binding protein alpha; minus strand). Cytogenetic location: 19q13.11.
Variant type: single nucleotide variant.
Coding change: c.1019G>C on transcript NM_004364.5 (MANE Select); coding-DNA position 1019, G replaced by C.
Protein change: p.Gly340Ala; replaces glycine 340 with alanine.
Molecular consequence: missense variant.
Genome position (GRCh38, 1-based): chr19:33,301,396, C>G on the plus strand (G>C on the coding strand, the complement: CEBPA is on the minus strand). VCF-style: chr19-33301396-C-G. GRCh37 (hg19) VCF-style: chr19-33792302-C-G.
Other names: c.662G>C, p.Gly221Ala (NM_001285829.2); c.1124G>C, p.Gly375Ala (NM_001287424.2); c.977G>C, p.Gly326Ala (NM_001287435.2); short protein forms G221A, G326A, G340A, G375A.
Identifiers: ClinVar variation 1720922 (VCV001720922.6), dbSNP rs1410617603, ClinGen allele CA405273711.

ClinVar aggregate classification (germline): Uncertain significance (1 of 4 stars; one submission).

Conditions:
Acute myeloid leukemia (AML). Also called: Leukemia, acute myeloid, somatic; Leukemia, acute myelogenous, somatic; Acute myeloid leukemia, adult; AML adult; Acute non-lymphocytic leukemia; Acute granulocytic leukemia. Identifiers: Orphanet 519, MedGen C0023467, MeSH D015470, MONDO:0018874, OMIM 601626, HP:0004808. Disease mechanism: Constitutively activated FLT3.

Submission:

Labcorp Genetics (formerly Invitae), Labcorp
Classification: Uncertain significance for Acute myeloid leukemia. Last evaluated: 2022-10-03. Review status: criteria provided, single submitter. Criteria: Invitae Variant Classification Sherloc (09022015). Collection method: clinical testing. Allele origin: germline.
Comment: This variant has not been reported in the literature in individuals affected with CEBPA-related conditions. This sequence change replaces glycine, which is neutral and non-polar, with alanine, which is neutral and non-polar, at codon 340 of the CEBPA protein (p.Gly340Ala). This variant is not present in population databases (gnomAD no frequency). Advanced modeling of protein sequence and biophysical properties (such as structural, functional, and spatial information, amino acid conservation, physicochemical variation, residue mobility, and thermodynamic stability) performed at Invitae indicates that this missense variant is not expected to disrupt CEBPA protein function. In summary, the available evidence is currently insufficient to determine the role of this variant in disease. Therefore, it has been classified as a Variant of Uncertain Significance.